The following is an entry in ClinVar:

NM_001368894.2(PAX6):c.109G>C (p.Ala37Pro)

Gene: PAX6 (paired box 6; minus strand). Cytogenetic location: 11p13.
Variant type: single nucleotide variant.
Coding change: c.109G>C on transcript NM_001368894.2 (MANE Select); coding-DNA position 109, G replaced by C.
Protein change: p.Ala37Pro; replaces alanine 37 with proline.
Molecular consequence: missense variant. On other transcripts: 5 prime UTR variant (12), non-coding transcript variant (2), intron variant (2).
Genome position (GRCh38, 1-based): chr11:31,802,736, C>G on the plus strand (G>C on the coding strand, the complement: PAX6 is on the minus strand). VCF-style: chr11-31802736-C-G. GRCh37 (hg19) VCF-style: chr11-31824284-C-G.
Other names: c.109G>C, p.Ala37Pro (NM_000280.6, NM_001127612.3, NM_001258462.3 and 30 more transcripts); c.-673G>C (NM_001310160.2, NM_001368905.2); c.-342G>C (NM_001310161.3, NM_001368900.2, NM_001368903.2 and 2 more transcripts); c.-300G>C (NM_001368899.2, NM_001368901.2, NM_001368906.2 and 1 more transcripts); c.-631G>C (NM_001368902.2); c.352G>C, p.Ala118Pro (NM_001368910.2); c.112G>C, p.Ala38Pro (NM_001368911.2); c.-267-960G>C (NM_001368909.2, NM_001368904.2); short protein forms A38P, A118P, A37P.
Identifiers: ClinVar variation 2954102 (VCV002954102.3), dbSNP rs2496292641, ClinGen allele CA379959525.

ClinVar aggregate classification (germline): Likely pathogenic (1 of 4 stars; one submission).

Conditions:
Aniridia 1 (AN1). Identifiers: Orphanet 250923, MedGen C0344542, MONDO:0024507, OMIM 106210.
Irido-corneo-trabecular dysgenesis (ASGD5). Also called: ANTERIOR SEGMENT DYSGENESIS 5. Identifiers: Orphanet 708, MedGen C0344559, MONDO:0011414, OMIM 604229, HP:0000659.

Submission:

Labcorp Genetics (formerly Invitae), Labcorp
Classification: Likely pathogenic for Aniridia 1; Irido-corneo-trabecular dysgenesis. Last evaluated: 2023-11-21. Review status: criteria provided, single submitter. Criteria: Invitae Variant Classification Sherloc (09022015). Collection method: clinical testing. Allele origin: germline.
Comment: This sequence change replaces alanine, which is neutral and non-polar, with proline, which is neutral and non-polar, at codon 37 of the PAX6 protein (p.Ala37Pro). This variant is not present in population databases (gnomAD no frequency). This missense change has been observed in individual(s) with congential bilateral aniridia (PMID: 34942114; Invitae). Advanced modeling of protein sequence and biophysical properties (such as structural, functional, and spatial information, amino acid conservation, physicochemical variation, residue mobility, and thermodynamic stability) performed at Invitae indicates that this missense variant is expected to disrupt PAX6 protein function with a positive predictive value of 80%. In summary, the currently available evidence indicates that the variant is pathogenic, but additional data are needed to prove that conclusively. Therefore, this variant has been classified as Likely Pathogenic.

Literature cited by the submitters: PubMed 34942114.